The following is an entry in ClinVar:

ClinVar aggregate classification (germline): Uncertain significance. Review status: criteria provided, multiple submitters, no conflicts (2 of 4 stars). 2 submissions from 2 submitters: Uncertain significance (2). Last evaluated 2026-01-22.

Conditions:
Congenital myopathy with internal nuclei and atypical cores. Also called: Myopathy, centronuclear, 4. Identifiers: Orphanet 319160, MedGen C4707232, MONDO:0013890, OMIM 614807.

Allele frequency attached by ClinVar (database versions not stated): gnomAD 0.00001 and 0.00005; gnomAD exomes 0.00004 and 0.00008; TOPMed 0.00004; ExAC 0.00008; 1000 Genomes Project 30x 0.00031; 1000 Genomes Project 0.00040.

Submissions (2):

Labcorp Genetics (formerly Invitae), Labcorp
Classification: Uncertain significance for Congenital myopathy with internal nuclei and atypical cores. Last evaluated: 2026-01-22. Review status: criteria provided, single submitter. Criteria: Invitae Variant Classification Sherloc (09022015). Collection method: clinical testing. Allele origin: germline.
Comment: This sequence change replaces histidine, which is basic and polar, with tyrosine, which is neutral and polar, at codon 347 of the CCDC78 protein (p.His347Tyr). This variant is present in population databases (rs369908634, gnomAD 0.05%), and has an allele count higher than expected for a pathogenic variant. This variant has not been reported in the literature in individuals affected with CCDC78-related conditions. ClinVar contains an entry for this variant (Variation ID: 473246). Invitae Evidence Modeling of protein sequence and biophysical properties (such as structural, functional, and spatial information, amino acid conservation, physicochemical variation, residue mobility, and thermodynamic stability) indicates that this missense variant is not expected to disrupt CCDC78 protein function with a negative predictive value of 80%. In summary, the available evidence is currently insufficient to determine the role of this variant in disease. Therefore, it has been classified as a Variant of Uncertain Significance.

Revvity Omics, Revvity
Classification: Uncertain significance for Congenital myopathy with internal nuclei and atypical cores. Last evaluated: 2025-05-27. Review status: criteria provided, single submitter. Criteria: ACMG Guidelines, 2015. Collection method: clinical testing. Allele origin: germline.

NM_001378030.1(CCDC78):c.1039C>T (p.His347Tyr)

Gene: CCDC78 (coiled-coil domain containing 78; minus strand). Cytogenetic location: 16p13.3.
Variant type: single nucleotide variant.
Coding change: c.1039C>T on transcript NM_001378030.1 (MANE Select); coding-DNA position 1039, C replaced by T.
Protein change: p.His347Tyr; replaces histidine 347 with tyrosine.
Molecular consequence: missense variant. On other transcripts: non-coding transcript variant (5), intron variant (1).
Genome position (GRCh38, 1-based): chr16:724,120, G>A on the plus strand (C>T on the coding strand, the complement: CCDC78 is on the minus strand). VCF-style: chr16-724120-G-A. GRCh37 (hg19) VCF-style: chr16-774120-G-A.
Other names: c.1039C>T, p.His347Tyr (NM_001031737.3); c.472C>T, p.His158Tyr (NM_001378033.1); c.953+202C>T (NM_001378031.1); short protein forms H347Y, H158Y.
Identifiers: ClinVar variation 473246 (VCV000473246.11), dbSNP rs369908634, ClinGen allele CA7789304.
Genomic context (GRCh38, chr16:724,120, plus strand): 5'-GTGGGGGGCACCCGGGCCTGGAGCTTCTGGGGGTCTCTAGCCTCACCTGGTCCTCCCGAT[G>A]GCTGAAGTCAGTGACCAGGGGCACGGGCAATGGTTCCAGGTCCAAGCTGGCTATGTCAAA-3'
Protein context (NP_001364959.1, residues 337-357): LPVPLVTDFS[His347Tyr]REDQHGGPGA